The following is an entry in ClinVar:

NM_004369.4(COL6A3):c.4825A>G (p.Ile1609Val)

Gene: COL6A3 (collagen type VI alpha 3 chain; minus strand). Cytogenetic location: 2q37.3.
Variant type: single nucleotide variant.
Coding change: c.4825A>G on transcript NM_004369.4 (MANE Select); coding-DNA position 4825, A replaced by G.
Protein change: p.Ile1609Val; replaces isoleucine 1609 with valine.
Molecular consequence: missense variant.
Genome position (GRCh38, 1-based): chr2:237,368,638, T>C on the plus strand (A>G on the coding strand, the complement: COL6A3 is on the minus strand). VCF-style: chr2-237368638-T-C. GRCh37 (hg19) VCF-style: chr2-238277281-T-C.
Other names: c.3004A>G, p.Ile1002Val (NM_057166.5); c.4207A>G, p.Ile1403Val (NM_057167.4); short protein forms I1403V, I1609V, I1002V.
Identifiers: ClinVar variation 2761545 (VCV002761545.3), dbSNP rs2469888115, ClinGen allele CA351190856.

ClinVar aggregate classification (germline): Uncertain significance (1 of 4 stars; one submission).

Conditions:
Bethlem myopathy 1A. Also called: Bethlem myopathy 1; Bethlem Muscular Dystrophy; MYOPATHY, BENIGN CONGENITAL, WITH CONTRACTURES. Identifiers: Orphanet 610, MedGen CN029274, MONDO:0024530, OMIM 158810.

Allele frequency attached by ClinVar (database versions not stated): gnomAD exomes below 0.00001.
gnomAD v4.1: 1 of 1,614,120 alleles (0.000062%); highest among the groups gnomAD compares: Non-Finnish European, 0.000085%; no homozygotes.

Submission:

Labcorp Genetics (formerly Invitae), Labcorp
Classification: Uncertain significance for Bethlem myopathy 1A. Last evaluated: 2023-09-27. Review status: criteria provided, single submitter. Criteria: Invitae Variant Classification Sherloc (09022015). Collection method: clinical testing. Allele origin: germline.
Comment: This sequence change replaces isoleucine, which is neutral and non-polar, with valine, which is neutral and non-polar, at codon 1609 of the COL6A3 protein (p.Ile1609Val). In summary, the available evidence is currently insufficient to determine the role of this variant in disease. Therefore, it has been classified as a Variant of Uncertain Significance. Advanced modeling of protein sequence and biophysical properties (such as structural, functional, and spatial information, amino acid conservation, physicochemical variation, residue mobility, and thermodynamic stability) performed at Invitae indicates that this missense variant is not expected to disrupt COL6A3 protein function. This variant has not been reported in the literature in individuals affected with COL6A3-related conditions. This variant is not present in population databases (gnomAD no frequency).